The following is an entry in ClinVar:

ClinVar aggregate classification (germline): Uncertain significance. Review status: criteria provided, single submitter (1 of 4 stars). 2 submissions from 2 submitters: Uncertain significance (1). 1 of the submissions does not count toward it. Last evaluated 2024-10-08.

Conditions:
Ehlers-Danlos syndrome, classic type (cEDS). Identifiers: Orphanet 287, MedGen C4225429, MONDO:0007522.

Submissions (2):

GeneDx
Classification: Uncertain significance. Last evaluated: 2024-10-08. Review status: criteria provided, single submitter. Criteria: GeneDx Variant Classification Process June 2021. Collection method: clinical testing. Allele origin: germline. Affected: yes.
Comment: Has not been previously published as pathogenic or benign to our knowledge; Not observed in large population cohorts (gnomAD); In silico analysis indicates that this missense variant does not alter protein structure/function

Clinical Molecular Genetics Laboratory, Johns Hopkins All Children's Hospital
Classification: Uncertain significance for Ehlers-Danlos syndrome, classic type, 1. Last evaluated: 2015-07-01. Review status: no assertion criteria provided. Collection method: clinical testing. Allele origin: germline. Affected: yes. Not counted in ClinVar's aggregate classification.

NM_001110556.2(FLNA):c.4528A>C (p.Asn1510His)

Gene: FLNA (filamin A; minus strand). Cytogenetic location: Xq28.
Variant type: single nucleotide variant.
Coding change: c.4528A>C on transcript NM_001110556.2 (MANE Select); coding-DNA position 4528, A replaced by C.
Protein change: p.Asn1510His; replaces asparagine 1510 with histidine.
Molecular consequence: missense variant.
Genome position (GRCh38, 1-based): chrX:154,358,515, T>G on the plus strand (A>C on the coding strand, the complement: FLNA is on the minus strand). VCF-style: chrX-154358515-T-G. GRCh37 (hg19) VCF-style: chrX-153586883-T-G.
Other names: c.4528A>C, p.Asn1510His (NM_001456.4); short protein forms N1510H.
Identifiers: ClinVar variation 492840 (VCV000492840.5), dbSNP rs1557177310, ClinGen allele CA415215642.
Genomic context (GRCh38, chrX:154,358,515, plus strand): 5'-CCTCTTCATCTCCATACAGTACTGAGATGCTGTAGGGCCCTTCTCGGCTGGGCACATAAT[T>G]GACGGTCTGGGTGCCATCAGCGTTGTCTACCACGTCCACTGGCTCCACCAGGCCTGGCCC-3'
Protein context (NP_001104026.1, residues 1500-1520): VDNADGTQTV[Asn1510His]YVPSREGPYS